The following is an entry in ClinVar:

NM_177438.3(DICER1):c.4390G>T (p.Val1464Leu)

Gene: DICER1 (dicer 1, ribonuclease III; minus strand). Cytogenetic location: 14q32.13.
Variant type: single nucleotide variant.
Coding change: c.4390G>T on transcript NM_177438.3 (MANE Select); coding-DNA position 4390, G replaced by T.
Protein change: p.Val1464Leu; replaces valine 1464 with leucine.
Molecular consequence: missense variant.
Genome position (GRCh38, 1-based): chr14:95,096,530, C>A on the plus strand (G>T on the coding strand, the complement: DICER1 is on the minus strand). VCF-style: chr14-95096530-C-A. GRCh37 (hg19) VCF-style: chr14-95562867-C-A.
Other names: c.4390G>T, p.Val1464Leu (NM_030621.4, NM_001195573.1, NM_001271282.3 and 1 more transcripts); short protein forms V1464L.
Identifiers: ClinVar variation 577739 (VCV000577739.11), dbSNP rs1208091143, ClinGen allele CA390868870.

ClinVar aggregate classification (germline): Uncertain significance. Review status: criteria provided, multiple submitters, no conflicts (2 of 4 stars). 2 submissions from 2 submitters: Uncertain significance (2). Last evaluated 2026-06-28.

Conditions:
DICER1-related tumor predisposition. Also called: DICER1 syndrome; DICER1-related pleuropulmonary blastoma cancer predisposition syndrome. Identifiers: Orphanet 284343, MedGen C3839822, MONDO:0100216.
Hereditary cancer-predisposing syndrome. Also called: Neoplastic Syndromes, Hereditary; Hereditary Cancer Syndrome; Hereditary neoplastic syndrome; Tumor predisposition. Identifiers: Orphanet 140162, MedGen C0027672, MeSH D009386, MONDO:0015356.

Submissions (2):

Ambry Genetics
Classification: Uncertain significance for Hereditary cancer-predisposing syndrome. Last evaluated: 2026-06-28. Review status: criteria provided, single submitter. Criteria: Ambry Variant Classification Scheme 2023. Collection method: clinical testing. Allele origin: germline.
Comment: The p.V1464L variant (also known as c.4390G>T), located in coding exon 22 of the DICER1 gene, results from a G to T substitution at nucleotide position 4390. The valine at codon 1464 is replaced by leucine, an amino acid with highly similar properties. This amino acid position is conserved. In addition, the in silico prediction for this alteration is inconclusive. Based on the available evidence, the clinical significance of this variant remains unclear.

Labcorp Genetics (formerly Invitae), Labcorp
Classification: Uncertain significance for DICER1-related tumor predisposition. Last evaluated: 2018-01-14. Review status: criteria provided, single submitter. Criteria: Invitae Variant Classification Sherloc (09022015). Collection method: clinical testing. Allele origin: germline.
Comment: In summary, the available evidence is currently insufficient to determine the role of this variant in disease. Therefore, it has been classified as a Variant of Uncertain Significance. Algorithms developed to predict the effect of missense changes on protein structure and function do not agree on the potential impact of this missense change (SIFT: "Tolerated"; PolyPhen-2: "Possibly Damaging"; Align-GVGD: "Class C0"). This variant has not been reported in the literature in individuals with DICER1-related disease. This variant is not present in population databases (ExAC no frequency). This sequence change replaces valine with leucine at codon 1464 of the DICER1 protein (p.Val1464Leu). The valine residue is moderately conserved and there is a small physicochemical difference between valine and leucine.